The following is an entry in ClinVar:

NM_031475.3(ESPN):c.390C>T (p.Asp130=)

Gene: ESPN (espin; plus strand). Cytogenetic location: 1p36.31.
Variant type: single nucleotide variant.
Coding change: c.390C>T on transcript NM_031475.3 (MANE Select); coding-DNA position 390, C replaced by T.
Protein change: p.Asp130=; no amino-acid change (aspartic acid 130 retained).
Molecular consequence: synonymous variant.
Genome position (GRCh38, 1-based): chr1:6,428,321, C>T. VCF-style: chr1-6428321-C-T. GRCh37 (hg19) VCF-style: chr1-6488381-C-T.
Other names: c.390C>T (NM_031475.2); c.390C>T, p.Asp130= (NM_001367473.1, NM_001367474.1).
Identifiers: ClinVar variation 3020399 (VCV003020399.5), dbSNP rs112712922, ClinGen allele CA559874.

ClinVar aggregate classification (germline): Likely benign. Review status: criteria provided, single submitter (1 of 4 stars). 2 submissions from 2 submitters: Likely benign (1). 1 of the submissions does not count toward it. Last evaluated 2025-05-08.

Conditions:
ESPN-related disorder. Also called: ESPN-related condition.

gnomAD v4.1: 77 of 1,612,882 alleles (0.0048%); highest among the groups gnomAD compares: Non-Finnish European, 0.0061%; no homozygotes.

Submissions (2):

Labcorp Genetics (formerly Invitae), Labcorp
Classification: Likely benign. Last evaluated: 2025-05-08. Review status: criteria provided, single submitter. Criteria: Invitae Variant Classification Sherloc (09022015). Collection method: clinical testing. Allele origin: germline.

PreventionGenetics, part of Exact Sciences
Classification: Likely benign for ESPN-related condition. Last evaluated: 2024-07-13. Review status: no assertion criteria provided. Collection method: clinical testing. Allele origin: germline. Not counted in ClinVar's aggregate classification.
Comment: This variant is classified as likely benign based on ACMG/AMP sequence variant interpretation guidelines (Richards et al. 2015 PMID: 25741868, with internal and published modifications).